The following is an entry in ClinVar:

ClinVar aggregate classification (germline): Uncertain significance (1 of 4 stars; one submission).

Submission:

Labcorp Genetics (formerly Invitae), Labcorp
Classification: Uncertain significance. Last evaluated: 2025-10-07. Review status: criteria provided, single submitter. Criteria: Invitae Variant Classification Sherloc (09022015). Collection method: clinical testing. Allele origin: germline.
Comment: This sequence change replaces serine, which is neutral and polar, with arginine, which is basic and polar, at codon 226 of the LZTS1 protein (p.Ser226Arg). This variant is present in population databases (no rsID available, gnomAD 0.02%). This variant has not been reported in the literature in individuals affected with LZTS1-related conditions. Invitae Evidence Modeling of protein sequence and biophysical properties (such as structural, functional, and spatial information, amino acid conservation, physicochemical variation, residue mobility, and thermodynamic stability) has been performed for this missense variant. However, the output from this modeling did not meet the statistical confidence thresholds required to predict the impact of this variant on LZTS1 protein function. In summary, the available evidence is currently insufficient to determine the role of this variant in disease. Therefore, it has been classified as a Variant of Uncertain Significance.

NM_021020.5(LZTS1):c.678C>A (p.Ser226Arg)

Gene: LZTS1 (leucine zipper tumor suppressor 1; minus strand). Cytogenetic location: 8p21.3.
Variant type: single nucleotide variant.
Coding change: c.678C>A on transcript NM_021020.5 (MANE Select); coding-DNA position 678, C replaced by A.
Protein change: p.Ser226Arg; replaces serine 226 with arginine.
Molecular consequence: missense variant.
Genome position (GRCh38, 1-based): chr8:20,253,253, G>T on the plus strand (C>A on the coding strand, the complement: LZTS1 is on the minus strand). VCF-style: chr8-20253253-G-T. GRCh37 (hg19) VCF-style: chr8-20110764-G-T.
Other names: c.678C>A, p.Ser226Arg (NM_001362884.2); short protein forms S226R.
Identifiers: ClinVar variation 4780634 (VCV004780634.1).